The following is an entry in ClinVar:

NM_000082.4(ERCC8):c.550+3A>C

Gene: ERCC8 (ERCC excision repair 8, CSA ubiquitin ligase complex subunit; minus strand). Cytogenetic location: 5q12.1.
Variant type: single nucleotide variant.
Coding change: c.550+3A>C on transcript NM_000082.4 (MANE Select); 3 bases into the intron after coding-DNA position 550, A replaced by C.
Molecular consequence: intron variant. On other transcripts: missense variant (1).
Genome position (GRCh38, 1-based): chr5:60,903,645, T>G on the plus strand (A>C on the coding strand, the complement: ERCC8 is on the minus strand). VCF-style: chr5-60903645-T-G. GRCh37 (hg19) VCF-style: chr5-60199472-T-G.
Other names: c.553A>C, p.Ile185Leu (NM_001007234.3); c.91+3A>C (NM_001290285.2); c.376+3A>C (NM_001007233.3); short protein forms I185L.
Identifiers: ClinVar variation 4708450 (VCV004708450.1).

ClinVar aggregate classification (germline): Uncertain significance (1 of 4 stars; one submission).

Submission:

Labcorp Genetics (formerly Invitae), Labcorp
Classification: Uncertain significance. Last evaluated: 2025-09-05. Review status: criteria provided, single submitter. Criteria: Invitae Variant Classification Sherloc (09022015). Collection method: clinical testing. Allele origin: germline.
Comment: This sequence change falls in intron 6 of the ERCC8 gene. It does not directly change the encoded amino acid sequence of the ERCC8 protein. It affects a nucleotide within the consensus splice site. This variant is not present in population databases (gnomAD no frequency). This variant has been observed in individual(s) with clinical features of ERCC8-related conditions (internal data). Variants that disrupt the consensus splice site are a relatively common cause of aberrant splicing (PMID: 17576681, 9536098). Algorithms developed to predict the effect of sequence changes on RNA splicing suggest that this variant may disrupt the consensus splice site. In summary, the available evidence is currently insufficient to determine the role of this variant in disease. Therefore, it has been classified as a Variant of Uncertain Significance.

Literature cited by the submitters: PubMed 17576681; PubMed 9536098.